The following is an entry in ClinVar:

ClinVar aggregate classification (germline): Benign. Review status: criteria provided, multiple submitters, no conflicts (2 of 4 stars). 2 submissions from 2 submitters: Benign (2). Last evaluated 2018-06-14.

Allele frequency attached by ClinVar (database versions not stated): gnomAD 0.19728 and 0.19680; 1000 Genomes Project 30x 0.13086; TOPMed 0.19162; gnomAD exomes 0.24929; 1000 Genomes Project 0.13039.

Submissions (7):

GeneDx
Classification: Benign. Last evaluated: 2018-06-14. Review status: criteria provided, single submitter. Criteria: GeneDx Variant Classification (06012015). Collection method: clinical testing. Allele origin: germline. Affected: yes.
Comment: This variant is considered likely benign or benign based on one or more of the following criteria: it is a conservative change, it occurs at a poorly conserved position in the protein, it is predicted to be benign by multiple in silico algorithms, and/or has population frequency not consistent with disease.

Breakthrough Genomics
Classification: Benign. Review status: criteria provided, single submitter. Criteria: ACMG Guidelines, 2015. Collection method: not provided. Allele origin: germline. Inheritance: Autosomal recessive inheritance. Affected: yes.

Dr. Peter K. Rogan Lab, Western University
No classification provided (evidence only). Condition: Hepatocellular carcinoma. Review status: no classification provided. Collection method: in vitro. Allele origin: not applicable. Functional consequence: retained intron. Not counted in ClinVar's aggregate classification.

Dr. Peter K. Rogan Lab, Western University
No classification provided (evidence only). Condition: Cholangiocarcinoma. Review status: no classification provided. Collection method: in vitro. Allele origin: not applicable. Functional consequence: retained intron. Not counted in ClinVar's aggregate classification.

Dr. Peter K. Rogan Lab, Western University
No classification provided (evidence only). Condition: Cholangiocarcinoma. Review status: no classification provided. Collection method: in vitro. Allele origin: not applicable. Functional consequence: retained intron. Not counted in ClinVar's aggregate classification.

Dr. Peter K. Rogan Lab, Western University
No classification provided (evidence only). Condition: Cholangiocarcinoma. Review status: no classification provided. Collection method: in vitro. Allele origin: not applicable. Functional consequence: retained intron. Not counted in ClinVar's aggregate classification.

Dr. Peter K. Rogan Lab, Western University
No classification provided (evidence only). Condition: Cholangiocarcinoma. Review status: no classification provided. Collection method: in vitro. Allele origin: not applicable. Functional consequence: retained intron. Not counted in ClinVar's aggregate classification.

NM_001457.4(FLNB):c.5728+89C>T

Gene: FLNB (filamin B; plus strand). Cytogenetic location: 3p14.3.
Variant type: single nucleotide variant.
Coding change: c.5728+89C>T on transcript NM_001457.4 (MANE Select); 89 bases into the intron after coding-DNA position 5728, C replaced by T.
Molecular consequence: intron variant.
Genome position (GRCh38, 1-based): chr3:58,147,082, C>T. VCF-style: chr3-58147082-C-T. GRCh37 (hg19) VCF-style: chr3-58132809-C-T.
Other names: NC_000003.11:g.58132809C>T; c.5821+89C>T (NM_001164317.2); c.5695+89C>T (NM_001164318.2); c.5656+89C>T (NM_001164319.2).
Identifiers: ClinVar variation 674882 (VCV000674882.3), dbSNP rs9809038, ClinGen allele CA11362529.